The following is an entry in ClinVar:

ClinVar aggregate classification (germline): Pathogenic (1 of 4 stars; one submission).

Conditions:
Nephrotic syndrome, type 3 (NPHS3). Also called: NEPHROTIC SYNDROME, EARLY-ONSET, TYPE 3. Identifiers: Orphanet 656, MedGen C1853124, MONDO:0012546, OMIM 610725.

Submission:

Daryl Scott Lab, Baylor College of Medicine
Classification: Pathogenic for Nephrotic syndrome, type 3. Last evaluated: 2024-01-01. Review status: criteria provided, single submitter. Criteria: ACMG Guidelines, 2015. Collection method: clinical testing. Allele origin: maternal. Observed: 1 heterozygote.
Comment: PVS1, PM2, PP4

NM_016341.4(PLCE1):c.3982C>T (p.Gln1328Ter)

Gene: PLCE1 (phospholipase C epsilon 1; plus strand). Cytogenetic location: 10q23.33.
Variant type: single nucleotide variant.
Coding change: c.3982C>T on transcript NM_016341.4 (MANE Select); coding-DNA position 3982, C replaced by T.
Protein change: p.Gln1328Ter; replaces glutamine 1328 with a stop codon.
Molecular consequence: nonsense.
Genome position (GRCh38, 1-based): chr10:94,262,661, C>T. VCF-style: chr10-94262661-C-T. GRCh37 (hg19) VCF-style: chr10-96022418-C-T.
Other names: c.3058C>T, p.Gln1020Ter (NM_001165979.2); c.3934C>T, p.Gln1312Ter (NM_001288989.2); short protein forms Q1020*, Q1312*, Q1328*.
Identifiers: ClinVar variation 3764576 (VCV003764576.1).